The following is an entry in ClinVar:

NM_000059.4(BRCA2):c.4880T>C (p.Leu1627Pro)

Gene: BRCA2 (BRCA2 DNA repair associated; plus strand). Cytogenetic location: 13q13.1.
Variant type: single nucleotide variant.
Coding change: c.4880T>C on transcript NM_000059.4 (MANE Select); coding-DNA position 4880, T replaced by C.
Protein change: p.Leu1627Pro; replaces leucine 1627 with proline.
Molecular consequence: missense variant.
Genome position (GRCh38, 1-based): chr13:32,339,235, T>C. VCF-style: chr13-32339235-T-C. GRCh37 (hg19) VCF-style: chr13-32913372-T-C.
Other names: short protein forms L1627P.
Identifiers: ClinVar variation 1315896 (VCV001315896.5), dbSNP rs2137511221, ClinGen allele CA387783491.

ClinVar aggregate classification (germline): Conflicting classifications of pathogenicity. Review status: criteria provided, conflicting classifications (1 of 4 stars). 3 submissions from 3 submitters: Uncertain significance (2); Likely benign (1). Last evaluated 2025-10-14.

Conditions:
Hereditary cancer-predisposing syndrome. Also called: Hereditary neoplastic syndrome; Neoplastic Syndromes, Hereditary; Tumor predisposition; Hereditary Cancer Syndrome. Identifiers: Orphanet 140162, MedGen C0027672, MeSH D009386, MONDO:0015356.

Submissions (3):

Ambry Genetics
Classification: Uncertain significance for Hereditary cancer-predisposing syndrome. Last evaluated: 2025-10-14. Review status: criteria provided, single submitter. Criteria: Ambry Variant Classification Scheme 2023. Collection method: clinical testing. Allele origin: germline.
Comment: The p.L1627P variant (also known as c.4880T>C), located in coding exon 10 of the BRCA2 gene, results from a T to C substitution at nucleotide position 4880. The leucine at codon 1627 is replaced by proline, an amino acid with similar properties. This amino acid position is conserved. In addition, the in silico prediction for this alteration is inconclusive. Based on the available evidence, the clinical significance of this variant remains unclear.

University of Washington Department of Laboratory Medicine, University of Washington
Classification: Likely benign for Hereditary cancer-predisposing syndrome. Last evaluated: 2023-03-23. Review status: criteria provided, single submitter. Criteria: Dines et al. (Genet Med. 2020). Collection method: curation. Allele origin: germline.
Comment: Missense variant in a coldspot region where missense variants are very unlikely to be pathogenic (PMID:31911673).

BRCA2 exon 11 coldspot. Reclassification based on statistical prior probability.

GeneDx
Classification: Uncertain significance. Last evaluated: 2019-04-17. Review status: criteria provided, single submitter. Criteria: GeneDx Variant Classification Process June 2021. Collection method: clinical testing. Allele origin: germline. Affected: yes.
Comment: Not observed in large population cohorts (Lek et al., 2016); Has not been previously published as pathogenic or benign to our knowledge